The following is an entry in ClinVar:

ClinVar aggregate classification (germline): Pathogenic. Review status: criteria provided, multiple submitters, no conflicts (2 of 4 stars). 2 submissions from 2 submitters: Pathogenic (2). Last evaluated 2020-05-15.

Conditions:
Amblyopia. Identifiers: MedGen C0002418, MONDO:0001020, HP:0000646.
Abnormality of visual evoked potentials. Identifiers: MedGen C0522214, HP:0000649.
High palate. Identifiers: MedGen C0240635, HP:0000218.
Epicanthus. Also called: Epicanthal fold. Identifiers: MedGen C0678230, OMIM 131500, HP:0000286.
Low-set ears. Identifiers: MedGen C0239234, HP:0000369.
EEG abnormality. Also called: Electroencephalogram (EEG) abnormalities; EEG abnormalities. Identifiers: MedGen C0151611, HP:0002353.
Iris coloboma. Also called: Coloboma of iris. Identifiers: Orphanet 98944, MedGen C0240063, MONDO:0020356, HP:0000612.
Esotropia. Identifiers: MedGen C0014877, MONDO:0004896, HP:0000565.
Nystagmus. Identifiers: MedGen C0028738, MONDO:0004843, HP:0000639.
Short neck. Identifiers: MedGen C0521525, HP:0000470.
Hypertelorism. Identifiers: MedGen C0020534, OMIM 145400, HP:0000316.
Lens subluxation. Identifiers: MedGen C0023316, MONDO:0001271, HP:0001132.
Microphthalmia. Also called: Microphthalmos. Identifiers: MedGen C0026010, MONDO:0021129, HP:0000568.
Branchiooculofacial syndrome (BOFS). Also called: BOF SYNDROME; Branchio-Oculo-Facial Syndrome; HEMANGIOMATOUS BRANCHIAL CLEFTS-LIP PSEUDOCLEFT SYNDROME; LIP PSEUDOCLEFT-HEMANGIOMATOUS BRANCHIAL CYST SYNDROME. Identifiers: Orphanet 1297, MedGen C0376524, MeSH D019280, MONDO:0007235, OMIM 113620.

Submissions (2):

Genetics Department, University Hospital of Toulouse
Classification: Pathogenic for Branchiooculofacial syndrome. Last evaluated: 2020-05-15. Review status: criteria provided, single submitter. Criteria: ACMG Guidelines, 2015. Collection method: clinical testing. Allele origin: germline. Affected: yes. Observed: 1 variant allele.
Comment: This null variant affecting TFAP2A gene c.1037_1038del, p.(Lys346fs*84) is absent from GnomAD and was once reported in the Clinvar database as pathogenic (SCV000747548.1)

Centre for Mendelian Genomics, University Medical Centre Ljubljana
Classification: Pathogenic for Abnormality of visual evoked potentials; Amblyopia; EEG abnormality; Epicanthus; Esotropia; High palate; Hypertelorism; Iris coloboma; Lens subluxation; Low-set ears; Microphthalmia; Nystagmus; Short neck. Last evaluated: 2017-01-01. Review status: criteria provided, single submitter. Criteria: ACMG Guidelines, 2015. Collection method: clinical testing. Allele origin: unknown. Affected: yes.

NM_001372066.1(TFAP2A):c.1043_1044del (p.Lys348fs)

Gene: TFAP2A (transcription factor AP-2 alpha; minus strand). Cytogenetic location: 6p24.3.
Variant type: Deletion.
Coding change: c.1043_1044del on transcript NM_001372066.1 (MANE Select); coding-DNA positions 1043 to 1044, 2 bases deleted (AA; older notation c.1043_1044delAA).
Protein change: p.Lys348fs; shifts the reading frame from lysine 348.
Molecular consequence: frameshift variant.
Genome position (GRCh38, 1-based): chr6:10,398,693-10,398,694, TT deleted on the plus strand (AA on the coding strand, the reverse complement: TFAP2A is on the minus strand); deleting any 2 consecutive bases within chr6:10,398,693-10,398,695 gives the same sequence; the c. name uses the placement nearest the transcript's 3' end. VCF-style (leftmost placement, unchanged base first): chr6-10398692-CTT-C. GRCh37 (hg19) VCF-style: chr6-10398925-CTT-C.
Other names: c.1019_1020del, p.Lys340fs (NM_001032280.3); c.1025_1026del, p.Lys342fs (NM_001042425.3); short protein forms K340fs, K342fs, K348fs.
Identifiers: ClinVar variation 523459 (VCV000523459.5), dbSNP rs1554110735, ClinGen allele CA658796716.